The following is an entry in ClinVar:

NM_001199107.2(TBC1D24):c.1659C>T (p.Phe553=)

Gene: TBC1D24 (TBC1 domain family member 24; plus strand). Cytogenetic location: 16p13.3.
Variant type: single nucleotide variant.
Coding change: c.1659C>T on transcript NM_001199107.2 (MANE Select); coding-DNA position 1659, C replaced by T.
Protein change: p.Phe553=; no amino-acid change (phenylalanine 553 retained).
Molecular consequence: synonymous variant.
Genome position (GRCh38, 1-based): chr16:2,500,937, C>T. VCF-style: chr16-2500937-C-T. GRCh37 (hg19) VCF-style: chr16-2550938-C-T.
Other names: c.1641C>T, p.Phe547= (NM_020705.3).
Identifiers: ClinVar variation 4281886 (VCV004281886.1).

ClinVar aggregate classification (germline): Uncertain significance (1 of 4 stars; one submission).

gnomAD v4.1: 2 of 1,612,014 alleles (0.00012%); highest among the groups gnomAD compares: African/African-American, 0.0027%; no homozygotes.

Submission:

GeneDx
Classification: Uncertain significance. Last evaluated: 2025-04-10. Review status: criteria provided, single submitter. Criteria: GeneDx Variant Classification Process June 2021. Collection method: clinical testing. Allele origin: germline. Affected: yes.
Comment: Not observed at significant frequency in large population cohorts (gnomAD); In silico analysis indicates that this variant does not alter splicing; Has not been previously published as pathogenic or benign to our knowledge